The following is an entry in ClinVar:

ClinVar aggregate classification (germline): Uncertain significance (1 of 4 stars; one submission).

Conditions:
Hereditary cancer-predisposing syndrome. Also called: Neoplastic Syndromes, Hereditary; Tumor predisposition; Hereditary neoplastic syndrome; Hereditary Cancer Syndrome. Identifiers: Orphanet 140162, MedGen C0027672, MeSH D009386, MONDO:0015356.

Submission:

Ambry Genetics
Classification: Uncertain significance for Hereditary cancer-predisposing syndrome. Last evaluated: 2026-07-07. Review status: criteria provided, single submitter. Criteria: Ambry Variant Classification Scheme 2023. Collection method: clinical testing. Allele origin: germline.
Comment: The p.G63E variant (also known as c.188G>A), located in coding exon 1 of the SMARCA4 gene, results from a G to A substitution at nucleotide position 188. The glycine at codon 63 is replaced by glutamic acid, an amino acid with similar properties. This amino acid position is conserved. In addition, the in silico prediction for this alteration is inconclusive. Based on the available evidence, the clinical significance of this variant remains unclear.

NM_003072.5(SMARCA4):c.188G>A (p.Gly63Glu)

Gene: SMARCA4 (SWI/SNF related BAF chromatin remodeling complex subunit ATPase 4; plus strand). Cytogenetic location: 19p13.2.
Variant type: single nucleotide variant.
Coding change: c.188G>A on transcript NM_003072.5 (MANE Select); coding-DNA position 188, G replaced by A.
Protein change: p.Gly63Glu; replaces glycine 63 with glutamic acid.
Molecular consequence: missense variant. On other transcripts: non-coding transcript variant (1).
Genome position (GRCh38, 1-based): chr19:10,984,339, G>A. VCF-style: chr19-10984339-G-A. GRCh37 (hg19) VCF-style: chr19-11095015-G-A.
Other names: c.188G>A, p.Gly63Glu (NM_001128844.3, NM_001128845.2, NM_001128846.2 and 6 more transcripts); short protein forms G63E.
Identifiers: ClinVar variation 5029855 (VCV005029855.1).